The following is an entry in ClinVar:

ClinVar aggregate classification (germline): Conflicting classifications of pathogenicity. Review status: criteria provided, conflicting classifications (1 of 4 stars). 3 submissions from 3 submitters: Uncertain significance (2); Likely benign (1). Last evaluated 2024-03-20.

Conditions:
Inborn genetic diseases. Identifiers: MedGen C0950123, MeSH D030342.

Allele frequency attached by ClinVar (database versions not stated): gnomAD exomes 0.00008 and 0.00002; ExAC 0.00010; 1000 Genomes Project 30x 0.00016; 1000 Genomes Project 0.00020; TOPMed below 0.00001; gnomAD 0.00001 and 0.00003.
gnomAD v4.1: 41 of 1,614,154 alleles (0.0025%); highest among the groups gnomAD compares: South Asian, 0.038%; no homozygotes.

Submissions (3):

Labcorp Genetics (formerly Invitae), Labcorp
Classification: Uncertain significance. Last evaluated: 2024-03-20. Review status: criteria provided, single submitter. Criteria: Invitae Variant Classification Sherloc (09022015). Collection method: clinical testing. Allele origin: germline.
Comment: This sequence change replaces methionine, which is neutral and non-polar, with valine, which is neutral and non-polar, at codon 836 of the VCAN protein (p.Met836Val). This variant is present in population databases (rs568469504, gnomAD 0.06%), and has an allele count higher than expected for a pathogenic variant. This variant has not been reported in the literature in individuals affected with VCAN-related conditions. ClinVar contains an entry for this variant (Variation ID: 286770). Algorithms developed to predict the effect of missense changes on protein structure and function output the following: SIFT: "Not Available"; PolyPhen-2: "Benign"; Align-GVGD: "Not Available". The valine amino acid residue is found in multiple mammalian species, which suggests that this missense change does not adversely affect protein function. In summary, the available evidence is currently insufficient to determine the role of this variant in disease. Therefore, it has been classified as a Variant of Uncertain Significance.

Ambry Genetics
Classification: Likely benign for Inborn genetic diseases. Last evaluated: 2021-08-10. Review status: criteria provided, single submitter. Criteria: Ambry Variant Classification Scheme 2023. Collection method: clinical testing. Allele origin: germline.

Eurofins Ntd Llc (ga)
Classification: Uncertain significance. Last evaluated: 2016-04-01. Review status: criteria provided, single submitter. Criteria: EGL Classification Definitions 2015. Collection method: clinical testing. Allele origin: germline. Observed: 1 variant allele, 1 heterozygote.

NM_004385.5(VCAN):c.2506A>G (p.Met836Val)

Gene: VCAN (versican; plus strand). Cytogenetic location: 5q14.3.
Variant type: single nucleotide variant.
Coding change: c.2506A>G on transcript NM_004385.5 (MANE Select); coding-DNA position 2506, A replaced by G.
Protein change: p.Met836Val; replaces methionine 836 with valine.
Molecular consequence: missense variant. On other transcripts: intron variant (2).
Genome position (GRCh38, 1-based): chr5:83,520,812, A>G. VCF-style: chr5-83520812-A-G. GRCh37 (hg19) VCF-style: chr5-82816631-A-G.
Other names: c.2506A>G, p.Met836Val (NM_001164098.2); c.1042+8416A>G (NM_001164097.2, NM_001126336.3); c.2506A>G (NM_004385.4); short protein forms M836V.
Identifiers: ClinVar variation 286770 (VCV000286770.10), dbSNP rs568469504, ClinGen allele CA3332857.